The following is an entry in ClinVar:

NM_002485.5(NBN):c.596C>G (p.Pro199Arg)

Gene: NBN (nibrin; minus strand). Cytogenetic location: 8q21.3.
Variant type: single nucleotide variant.
Coding change: c.596C>G on transcript NM_002485.5 (MANE Select); coding-DNA position 596, C replaced by G.
Protein change: p.Pro199Arg; replaces proline 199 with arginine.
Molecular consequence: missense variant.
Genome position (GRCh38, 1-based): chr8:89,971,279, G>C on the plus strand (C>G on the coding strand, the complement: NBN is on the minus strand). VCF-style: chr8-89971279-G-C. GRCh37 (hg19) VCF-style: chr8-90983507-G-C.
Other names: p.P199R:CCT>CGT; c.350C>G, p.Pro117Arg (NM_001024688.3); short protein forms P199R, P117R.
Identifiers: ClinVar variation 182713 (VCV000182713.66), dbSNP rs730881844, ClinGen allele CA299593.

ClinVar aggregate classification (germline): Conflicting classifications of pathogenicity. Review status: criteria provided, conflicting classifications (1 of 4 stars). 14 submissions from 14 submitters: Uncertain significance (12); Likely benign (1). 1 of the submissions does not count toward it. Last evaluated 2026-02-20.

Conditions:
Hereditary cancer-predisposing syndrome. Also called: Tumor predisposition; Neoplastic Syndromes, Hereditary; Hereditary Cancer Syndrome; Hereditary neoplastic syndrome. Identifiers: Orphanet 140162, MedGen C0027672, MeSH D009386, MONDO:0015356.
Microcephaly, normal intelligence and immunodeficiency (NBS). Also called: Nijmegen breakage syndrome; Microcephaly with normal intelligence immunodeficiency and lymphoreticular malignancies; Nonsyndromal microcephaly autosomal recessive with normal intelligence; Seemanova syndrome 2; IMMUNODEFICIENCY, MICROCEPHALY, AND CHROMOSOMAL INSTABILITY; Immunodeficiency, microcephaly with normal intelligence. Identifiers: Orphanet 647, MedGen C0398791, MONDO:0009623, OMIM 251260.
Aplastic anemia. Identifiers: Orphanet 182040, Orphanet 88, MedGen C0002874, MONDO:0015909, OMIM 609135, HP:0001915.

Allele frequency attached by ClinVar (database versions not stated): gnomAD 0.00001; gnomAD exomes 0.00001; TOPMed 0.00003.
gnomAD v4.1: 20 of 1,611,842 alleles (0.0012%); highest among the groups gnomAD compares: Non-Finnish European, 0.0016%; no homozygotes.

Submissions (14):

St. Jude Molecular Pathology, St. Jude Children's Research Hospital
Classification: Uncertain significance for Microcephaly, normal intelligence and immunodeficiency. Last evaluated: 2026-02-20. Review status: criteria provided, single submitter. Criteria: St. Jude Assertion Criteria 2020. Collection method: clinical testing. Allele origin: germline.
Comment: The NBN c.596C>G p.(Pro199Arg) missense change is absent in gnomAD v2.1.1. The in silico tool REVEL is inconclusive about a pathogenic or benign effect of this variant on protein function, and to our knowledge functional studies have not been performed. To our knowledge, this variant has not been reported in individuals with Nijmegen breakage syndrome. In summary, the evidence currently available is insufficient to determine the clinical significance of this variant. It has therefore been classified as of uncertain significance.

Women's Health and Genetics/Laboratory Corporation of America, LabCorp
Classification: Uncertain significance. Last evaluated: 2025-07-07. Review status: criteria provided, single submitter. Criteria: LabCorp Variant Classification Summary - May 2015. Collection method: clinical testing. Allele origin: germline.
Comment: Variant summary: NBN c.596C>G (p.Pro199Arg) results in a non-conservative amino acid change in the encoded protein sequence. Algorithms developed to predict the effect of missense changes on protein structure and function all suggest that this variant is likely to be disruptive. The variant was absent in 250342 control chromosomes. The available data on variant occurrences in the general population are insufficient to allow any conclusion about variant significance. To our knowledge, c.596C>G has not been observed in individual(s) affected with Nijmegen Breakage Syndrome and no experimental evidence demonstrating an impact on protein function has been reported. The following publications have been ascertained in the context of this evaluation (PMID: 36346689, 22491912, 36031433, 26898890, 34803902, 34326862). ClinVar contains an entry for this variant (Variation ID: 182713). Based on the evidence outlined above, the variant was classified as uncertain significance.

Labcorp Genetics (formerly Invitae), Labcorp
Classification: Uncertain significance for Microcephaly, normal intelligence and immunodeficiency. Last evaluated: 2024-12-18. Review status: criteria provided, single submitter. Criteria: Invitae Variant Classification Sherloc (09022015). Collection method: clinical testing. Allele origin: germline.
Comment: This sequence change replaces proline, which is neutral and non-polar, with arginine, which is basic and polar, at codon 199 of the NBN protein (p.Pro199Arg). This variant is not present in population databases (gnomAD no frequency). This missense change has been observed in individual(s) with breast cancer or prostate cancer (PMID: 22491912, 26898890, 32268276, 34326862). ClinVar contains an entry for this variant (Variation ID: 182713). An algorithm developed to predict the effect of missense changes on protein structure and function (PolyPhen-2) suggests that this variant is likely to be disruptive. In summary, the available evidence is currently insufficient to determine the role of this variant in disease. Therefore, it has been classified as a Variant of Uncertain Significance.

GeneDx
Classification: Uncertain significance. Last evaluated: 2024-08-27. Review status: criteria provided, single submitter. Criteria: GeneDx Variant Classification Process June 2021. Collection method: clinical testing. Allele origin: germline. Affected: yes.
Comment: Not observed at significant frequency in large population cohorts (gnomAD); In silico analysis supports that this missense variant has a deleterious effect on protein structure/function; This variant is associated with the following publications: (PMID: 22491912, 26898890, 29522266, 34326862, 33471991, 36346689, 24894818, 32268276)

Baylor Genetics
Classification: Uncertain significance for Aplastic anemia. Last evaluated: 2023-12-18. Review status: criteria provided, single submitter. Criteria: ACMG Guidelines, 2015. Collection method: clinical testing. Allele origin: unknown.

Ambry Genetics
Classification: Likely benign for Hereditary cancer-predisposing syndrome. Last evaluated: 2022-10-04. Review status: criteria provided, single submitter. Criteria: Ambry Variant Classification Scheme 2023. Collection method: clinical testing. Allele origin: germline.

CeGaT Center for Human Genetics Tuebingen
Classification: Uncertain significance. Last evaluated: 2022-07-01. Review status: criteria provided, single submitter. Criteria: CeGaT Center For Human Genetics Tuebingen Variant Classification Criteria Version 2. Collection method: clinical testing. Allele origin: germline. Affected: yes. Observed: 1 variant allele.
Comment: NBN: PM2, BP1

Mendelics
Classification: Uncertain significance. Last evaluated: 2022-05-04. Review status: criteria provided, single submitter. Criteria: Mendelics Assertion Criteria 2019. Collection method: clinical testing. Allele origin: germline.

Sema4
Classification: Uncertain significance for Hereditary cancer-predisposing syndrome. Last evaluated: 2022-02-22. Review status: criteria provided, single submitter. Criteria: Sema4 Curation Guidelines. Collection method: curation. Allele origin: germline.
Comment: The NBN c.596C>G (p.P199R) variant has been reported in heterozygosity in at least three individuals with breast cancer and prostate cancer (PMID: 22491912, 26898890, 32268276). It has been reported in a large case-control study of breast cancer in 2/60466 cases and 3/53461 controls (PMID: 33471991). It was not observed in the large and broad cohorts of the Genome Aggregation Database (PMID: 32461654). This variant has been reported in ClinVar (Variation ID: 182713). Functional studies have not been performed, and in silico predictions of the variant's effect on protein function are inconclusive. The evidence is insufficient to meet ACMG/AMP criteria for classifying the variant as benign or pathogenic. Thus, the clinical significance of this variant is currently uncertain.

Genome-Nilou Lab
Classification: Uncertain significance for Microcephaly, normal intelligence and immunodeficiency. Last evaluated: 2021-11-07. Review status: criteria provided, single submitter. Criteria: ACMG Guidelines, 2015. Collection method: clinical testing. Allele origin: germline. Affected: no.

Illumina Laboratory Services, Illumina
Classification: Uncertain significance for Microcephaly, normal intelligence and immunodeficiency. Last evaluated: 2018-01-13. Review status: criteria provided, single submitter. Criteria: ICSL Variant Classification Criteria 13 December 2019. Collection method: clinical testing. Allele origin: germline.

Quest Diagnostics Nichols Institute San Juan Capistrano
Classification: Uncertain significance. Last evaluated: 2017-12-07. Review status: criteria provided, single submitter. Criteria: Quest Diagnostics criteria. Collection method: clinical testing. Allele origin: germline.

Eurofins Ntd Llc (ga)
Classification: Uncertain significance. Last evaluated: 2017-01-09. Review status: criteria provided, single submitter. Criteria: EGL Classification Definitions 2015. Collection method: clinical testing. Allele origin: germline. Observed: 1 variant allele, 1 heterozygote.

Natera, Inc.
Classification: Uncertain significance for Nijmegen breakage syndrome. Last evaluated: 2020-10-19. Review status: no assertion criteria provided. Collection method: clinical testing. Allele origin: germline. Not counted in ClinVar's aggregate classification.

Literature cited by the submitters: PubMed 26898890 (cited by 3 submitters); PubMed 22491912 (cited by 4 submitters); PubMed 34326862 (cited by Women's Health and Genetics/Laboratory Corporation of America, LabCorp and Labcorp Genetics (formerly Invitae), Labcorp); PubMed 36346689 (cited by Women's Health and Genetics/Laboratory Corporation of America, LabCorp); PubMed 36031433 (cited by Women's Health and Genetics/Laboratory Corporation of America, LabCorp); PubMed 34803902 (cited by Women's Health and Genetics/Laboratory Corporation of America, LabCorp); PubMed 32268276 (cited by Labcorp Genetics (formerly Invitae), Labcorp and Sema4); PubMed 29522266 (cited by Ambry Genetics); PubMed 33471991 (cited by Sema4).